The following is an entry in ClinVar:

ClinVar aggregate classification (germline): Uncertain significance. Review status: criteria provided, multiple submitters, no conflicts (2 of 4 stars). 4 submissions from 4 submitters: Uncertain significance (4). Last evaluated 2025-12-10.

Conditions:
Hereditary cancer-predisposing syndrome. Also called: Tumor predisposition; Hereditary neoplastic syndrome; Hereditary Cancer Syndrome; Neoplastic Syndromes, Hereditary. Identifiers: Orphanet 140162, MedGen C0027672, MeSH D009386, MONDO:0015356.
Cardiovascular phenotype. Identifiers: MedGen CN230736.
LZTR1-related schwannomatosis. Also called: Schwannomatosis-2, susceptibility to; Schwannomatosis 2. Identifiers: Orphanet 93921, MedGen C3810283, MONDO:0014299, OMIM 615670.

Allele frequency attached by ClinVar (database versions not stated): gnomAD 0.00001; gnomAD exomes 0.00001 and 0.00004; TOPMed 0.00002.
gnomAD v4.1: 21 of 1,612,192 alleles (0.0013%); highest among the groups gnomAD compares: Admixed American, 0.018%; no homozygotes.

Submissions (4):

Ambry Genetics
Classification: Uncertain significance for Cardiovascular phenotype; Hereditary cancer-predisposing syndrome. Last evaluated: 2025-12-10. Review status: criteria provided, single submitter. Criteria: Ambry Variant Classification Scheme 2023. Collection method: clinical testing. Allele origin: germline.
Comment: The p.R471C variant (also known as c.1411C>T), located in coding exon 13 of the LZTR1 gene, results from a C to T substitution at nucleotide position 1411. The arginine at codon 471 is replaced by cysteine, an amino acid with highly dissimilar properties. This variant was reported in individual(s) with a personal history of schwannoma (Ambry internal data). This amino acid position is well conserved in available vertebrate species. In addition, the in silico prediction for this alteration is inconclusive. Since supporting evidence is limited at this time, the clinical significance of this alteration remains unclear.

Labcorp Genetics (formerly Invitae), Labcorp
Classification: Uncertain significance. Last evaluated: 2025-11-14. Review status: criteria provided, single submitter. Criteria: Invitae Variant Classification Sherloc (09022015). Collection method: clinical testing. Allele origin: germline.
Comment: This sequence change replaces arginine, which is basic and polar, with cysteine, which is neutral and slightly polar, at codon 471 of the LZTR1 protein (p.Arg471Cys). This variant is present in population databases (no rsID available, gnomAD 0.03%). This variant has not been reported in the literature in individuals affected with LZTR1-related conditions. ClinVar contains an entry for this variant (Variation ID: 809330). Invitae Evidence Modeling of protein sequence and biophysical properties (such as structural, functional, and spatial information, amino acid conservation, physicochemical variation, residue mobility, and thermodynamic stability) indicates that this missense variant is not expected to disrupt LZTR1 protein function with a negative predictive value of 80%. In summary, the available evidence is currently insufficient to determine the role of this variant in disease. Therefore, it has been classified as a Variant of Uncertain Significance.

GeneDx
Classification: Uncertain significance. Last evaluated: 2024-02-28. Review status: criteria provided, single submitter. Criteria: GeneDx Variant Classification Process June 2021. Collection method: clinical testing. Allele origin: germline.
Comment: In silico analysis supports that this missense variant has a deleterious effect on protein structure/function; Has not been previously published as pathogenic or benign to our knowledge

Baylor Genetics
Classification: Uncertain significance for LZTR1-related schwannomatosis. Last evaluated: 2024-02-25. Review status: criteria provided, single submitter. Criteria: ACMG Guidelines, 2015. Collection method: clinical testing. Allele origin: unknown.

NM_006767.4(LZTR1):c.1411C>T (p.Arg471Cys)

Gene: LZTR1 (leucine zipper like post translational regulator 1; plus strand). Cytogenetic location: 22q11.21.
Variant type: single nucleotide variant.
Coding change: c.1411C>T on transcript NM_006767.4 (MANE Select); coding-DNA position 1411, C replaced by T.
Protein change: p.Arg471Cys; replaces arginine 471 with cysteine.
Molecular consequence: missense variant.
Genome position (GRCh38, 1-based): chr22:20,993,981, C>T. VCF-style: chr22-20993981-C-T. GRCh37 (hg19) VCF-style: chr22-21348270-C-T.
Other names: short protein forms R471C.
Identifiers: ClinVar variation 809330 (VCV000809330.25), dbSNP rs1366650212, ClinGen allele CA410775219.
Genomic context (GRCh38, chr22:20,993,981, plus strand): 5'-CAGAAGGAGGAGTGCGTGCAGGGCCACGTAGCCATTGTCACAGCGCGGAGCCGCTGGCTT[C>T]GCAGGAAGATCACGCAGGCGCGGGAGAGGCTGGCCCAGGTGAGGTGCCTAACCGCCCTGC-3'
Protein context (NP_006758.2, residues 461-481): AIVTARSRWL[Arg471Cys]RKITQARERL